The following is an entry in ClinVar:

ClinVar aggregate classification (germline): Uncertain significance. Review status: criteria provided, multiple submitters, no conflicts (2 of 4 stars). 3 submissions from 3 submitters: Uncertain significance (3). Last evaluated 2024-10-23.

Allele frequency attached by ClinVar (database versions not stated): gnomAD 0.00001; TOPMed 0.00005.
gnomAD v4.1: 3 of 1,612,788 alleles (0.00019%); highest among the groups gnomAD compares: Admixed American, 0.0033%; no homozygotes.

Submissions (3):

GeneDx
Classification: Uncertain significance. Last evaluated: 2024-10-23. Review status: criteria provided, single submitter. Criteria: GeneDx Variant Classification Process June 2021. Collection method: clinical testing. Allele origin: germline. Affected: yes.
Comment: Not observed at significant frequency in large population cohorts (gnomAD); In silico analysis supports that this missense variant has a deleterious effect on protein structure/function; Has not been previously published as pathogenic or benign to our knowledge

Blueprint Genetics
Classification: Uncertain significance. Last evaluated: 2024-05-20. Review status: criteria provided, single submitter. Criteria: ACMG Guidelines, 2015. Collection method: clinical testing. Allele origin: germline.

Labcorp Genetics (formerly Invitae), Labcorp
Classification: Uncertain significance. Last evaluated: 2023-10-05. Review status: criteria provided, single submitter. Criteria: Invitae Variant Classification Sherloc (09022015). Collection method: clinical testing. Allele origin: germline.
Comment: This sequence change replaces glutamic acid, which is acidic and polar, with lysine, which is basic and polar, at codon 1235 of the COL11A2 protein (p.Glu1235Lys). This variant is not present in population databases (gnomAD no frequency). This variant has not been reported in the literature in individuals affected with COL11A2-related conditions. Advanced modeling of protein sequence and biophysical properties (such as structural, functional, and spatial information, amino acid conservation, physicochemical variation, residue mobility, and thermodynamic stability) performed at Invitae indicates that this missense variant is not expected to disrupt COL11A2 protein function. In summary, the available evidence is currently insufficient to determine the role of this variant in disease. Therefore, it has been classified as a Variant of Uncertain Significance.

NM_080680.3(COL11A2):c.3703G>A (p.Glu1235Lys)

Gene: COL11A2 (collagen type XI alpha 2 chain; minus strand). Cytogenetic location: 6p21.32.
Variant type: single nucleotide variant.
Coding change: c.3703G>A on transcript NM_080680.3 (MANE Select); coding-DNA position 3703, G replaced by A.
Protein change: p.Glu1235Lys; replaces glutamic acid 1235 with lysine.
Molecular consequence: missense variant.
Genome position (GRCh38, 1-based): chr6:33,169,478, C>T on the plus strand (G>A on the coding strand, the complement: COL11A2 is on the minus strand). VCF-style: chr6-33169478-C-T. GRCh37 (hg19) VCF-style: chr6-33137255-C-T.
Other names: c.3703G>A (NM_080680.2); c.3523G>A, p.Glu1175Lys (NM_001424108.1); c.2857G>A, p.Glu953Lys (NM_001424109.1); c.2677G>A, p.Glu893Lys (NM_001424110.1, NM_001424111.1); c.1657G>A, p.Glu553Lys (NM_001424112.1); c.3382G>A, p.Glu1128Lys (NM_080679.3); c.3445G>A, p.Glu1149Lys (NM_080681.3); short protein forms E1175K, E1149K, E893K, E953K, E1235K, E553K, E1128K.
Identifiers: ClinVar variation 2745410 (VCV002745410.3), dbSNP rs200895031, ClinGen allele CA137064298.
Genomic context (GRCh38, chr6:33,169,478, plus strand): 5'-CTTTAGGCCCTGGTGGCCCTGGCTCTCCTGGCTGCCCCGACTCTCCTTTCTCTCCACGTT[C>T]CCCGCGTGGACCCTGCAGAACAAGCGGAGGACACAGATGGCCCAGGGAATCTTGAAGATC-3'
Protein context (NP_542411.2, residues 1225-1245): GEPGVKGPRG[Glu1235Lys]RGEKGESGQP